The following is an entry in ClinVar:

ClinVar aggregate classification (germline): Uncertain significance. Review status: criteria provided, multiple submitters, no conflicts (2 of 4 stars). 2 submissions from 2 submitters: Uncertain significance (2). Last evaluated 2024-03-15.

Conditions:
Idiopathic generalized epilepsy. Also called: Generalised epilepsy; EIG. Identifiers: MedGen C0270850, MONDO:0005579, OMIM 600669.
Hyperaldosteronism, familial, type IV (HALD4). Also called: FH IV; ALDOSTERONISM, PRIMARY, AND HYPERTENSION. Identifiers: Orphanet 642671, MedGen C4310756, MONDO:0014875, OMIM 617027.
Epilepsy, childhood absence, susceptibility to, 6. Identifiers: Orphanet 64280, MedGen C2749872, MONDO:0012763, OMIM 611942.

Submissions (2):

Labcorp Genetics (formerly Invitae), Labcorp
Classification: Uncertain significance for Idiopathic generalized epilepsy; Hyperaldosteronism, familial, type IV. Last evaluated: 2024-03-15. Review status: criteria provided, single submitter. Criteria: Invitae Variant Classification Sherloc (09022015). Collection method: clinical testing. Allele origin: germline.
Comment: This sequence change replaces proline, which is neutral and non-polar, with leucine, which is neutral and non-polar, at codon 30 of the CACNA1H protein (p.Pro30Leu). This variant is not present in population databases (gnomAD no frequency). This variant has not been reported in the literature in individuals affected with CACNA1H-related conditions. Advanced modeling of protein sequence and biophysical properties (such as structural, functional, and spatial information, amino acid conservation, physicochemical variation, residue mobility, and thermodynamic stability) performed at Invitae indicates that this missense variant is not expected to disrupt CACNA1H protein function with a negative predictive value of 95%. Experimental studies have shown that this missense change does not substantially affect CACNA1H function (PMID: 36397158). In summary, the available evidence is currently insufficient to determine the role of this variant in disease. Therefore, it has been classified as a Variant of Uncertain Significance.

Fulgent Genetics
Classification: Uncertain significance for Epilepsy, childhood absence, susceptibility to, 6; Hyperaldosteronism, familial, type IV. Last evaluated: 2023-12-21. Review status: criteria provided, single submitter. Criteria: ACMG Guidelines, 2015. Collection method: clinical testing. Allele origin: germline.

Literature cited by the submitters: PubMed 36397158 (cited by Labcorp Genetics (formerly Invitae), Labcorp).

NM_021098.3(CACNA1H):c.89C>T (p.Pro30Leu)

Gene: CACNA1H (calcium voltage-gated channel subunit alpha1 H; plus strand). Cytogenetic location: 16p13.3.
Variant type: single nucleotide variant.
Coding change: c.89C>T on transcript NM_021098.3 (MANE Select); coding-DNA position 89, C replaced by T.
Protein change: p.Pro30Leu; replaces proline 30 with leucine.
Molecular consequence: missense variant.
Genome position (GRCh38, 1-based): chr16:1,153,826, C>T. VCF-style: chr16-1153826-C-T. GRCh37 (hg19) VCF-style: chr16-1203826-C-T.
Other names: c.89C>T, p.Pro30Leu (NM_001005407.2); short protein forms P30L.
Identifiers: ClinVar variation 3578237 (VCV003578237.3).